The following is an entry in ClinVar:

NM_001371986.1(UNC80):c.3329G>A (p.Arg1110Gln)

Gene: UNC80 (unc-80 homolog, NALCN channel complex subunit; plus strand). Cytogenetic location: 2q34.
Variant type: single nucleotide variant.
Coding change: c.3329G>A on transcript NM_001371986.1 (MANE Select); coding-DNA position 3329, G replaced by A.
Protein change: p.Arg1110Gln; replaces arginine 1110 with glutamine.
Molecular consequence: missense variant.
Genome position (GRCh38, 1-based): chr2:209,840,620, G>A. VCF-style: chr2-209840620-G-A. GRCh37 (hg19) VCF-style: chr2-210705344-G-A.
Other names: c.3335G>A, p.Arg1112Gln (NM_032504.2); c.3320G>A, p.Arg1107Gln (NM_182587.4); short protein forms R1112Q, R1110Q, R1107Q.
Identifiers: ClinVar variation 1491351 (VCV001491351.3), dbSNP rs759835534, ClinGen allele CA2083111.

ClinVar aggregate classification (germline): Uncertain significance (1 of 4 stars; one submission).

Allele frequency attached by ClinVar (database versions not stated): ExAC 0.00009; TOPMed 0.00001; gnomAD exomes 0.00004.
gnomAD v4.1: 19 of 1,551,880 alleles (0.0012%); highest among the groups gnomAD compares: South Asian, 0.015%; no homozygotes.

Submission:

Labcorp Genetics (formerly Invitae), Labcorp
Classification: Uncertain significance. Last evaluated: 2022-08-09. Review status: criteria provided, single submitter. Criteria: Invitae Variant Classification Sherloc (09022015). Collection method: clinical testing. Allele origin: germline.
Comment: This sequence change replaces arginine, which is basic and polar, with glutamine, which is neutral and polar, at codon 1112 of the UNC80 protein (p.Arg1112Gln). This variant is present in population databases (rs759835534, gnomAD 0.02%). This variant has not been reported in the literature in individuals affected with UNC80-related conditions. ClinVar contains an entry for this variant (Variation ID: 1491351). Algorithms developed to predict the effect of missense changes on protein structure and function are either unavailable or do not agree on the potential impact of this missense change (SIFT: "Not Available"; PolyPhen-2: "Probably Damaging"; Align-GVGD: "Not Available"). In summary, the available evidence is currently insufficient to determine the role of this variant in disease. Therefore, it has been classified as a Variant of Uncertain Significance.